The following is an entry in ClinVar:

NM_001144869.3(LIPT2):c.251G>C (p.Gly84Ala)

Genes: LIPT2-AS1 (LIPT2 antisense RNA 1; plus strand), LIPT2 (lipoyl(octanoyl) transferase 2; minus strand). Cytogenetic location: 11q13.4.
Variant type: single nucleotide variant.
Coding change: c.251G>C on transcript NM_001144869.3 (MANE Select); coding-DNA position 251, G replaced by C.
Protein change: p.Gly84Ala; replaces glycine 84 with alanine.
Molecular consequence: missense variant. On other transcripts: non-coding transcript variant (1), intron variant (1).
Genome position (GRCh38, 1-based): chr11:74,493,453, C>G on the plus strand (G>C on the coding strand, the complement: LIPT2 is on the minus strand). VCF-style: chr11-74493453-C-G. GRCh37 (hg19) VCF-style: chr11-74204498-C-G.
Other names: c.251G>C, p.Gly84Ala (NM_001329941.2); c.237+14G>C (NM_001329942.2); short protein forms G84A.
Identifiers: ClinVar variation 1715038 (VCV001715038.3), dbSNP rs990796543, ClinGen allele CA224979313.

ClinVar aggregate classification (germline): Uncertain significance (1 of 4 stars; one submission).

Submission:

Labcorp Genetics (formerly Invitae), Labcorp
Classification: Uncertain significance. Last evaluated: 2022-12-25. Review status: criteria provided, single submitter. Criteria: Invitae Variant Classification Sherloc (09022015). Collection method: clinical testing. Allele origin: germline.
Comment: In summary, the available evidence is currently insufficient to determine the role of this variant in disease. Therefore, it has been classified as a Variant of Uncertain Significance. Algorithms developed to predict the effect of missense changes on protein structure and function are either unavailable or do not agree on the potential impact of this missense change (SIFT: "Not Available"; PolyPhen-2: "Benign"; Align-GVGD: "Not Available"). ClinVar contains an entry for this variant (Variation ID: 1715038). This variant has not been reported in the literature in individuals affected with LIPT2-related conditions. This variant is not present in population databases (gnomAD no frequency). This sequence change replaces glycine, which is neutral and non-polar, with alanine, which is neutral and non-polar, at codon 84 of the LIPT2 protein (p.Gly84Ala).